The following is an entry in ClinVar:

ClinVar aggregate classification (germline): Uncertain significance (1 of 4 stars; one submission).

Conditions:
CHARGE syndrome (CHARGE). Also called: Hittner Hirsch Kreh syndrome; CHARGE ASSOCIATION--COLOBOMA, HEART ANOMALY, CHOANAL ATRESIA, RETARDATION, GENITAL AND EAR ANOMALIES; Coloboma, heart anomaly, choanal atresia, retardation, genital and ear anomalies; CHARGE association; Hall-Hittner syndrome. Identifiers: Orphanet 138, MedGen C0265354, MONDO:0008965.

Submission:

Labcorp Genetics (formerly Invitae), Labcorp
Classification: Uncertain significance for CHARGE syndrome. Last evaluated: 2024-01-08. Review status: criteria provided, single submitter. Criteria: Invitae Variant Classification Sherloc (09022015). Collection method: clinical testing. Allele origin: germline.
Comment: This sequence change replaces glycine, which is neutral and non-polar, with serine, which is neutral and polar, at codon 2138 of the CHD7 protein (p.Gly2138Ser). This variant is not present in population databases (gnomAD no frequency). This variant has not been reported in the literature in individuals affected with CHD7-related conditions. Advanced modeling of protein sequence and biophysical properties (such as structural, functional, and spatial information, amino acid conservation, physicochemical variation, residue mobility, and thermodynamic stability) performed at Invitae indicates that this missense variant is not expected to disrupt CHD7 protein function with a negative predictive value of 95%. In summary, the available evidence is currently insufficient to determine the role of this variant in disease. Therefore, it has been classified as a Variant of Uncertain Significance.

NM_017780.4(CHD7):c.6412G>A (p.Gly2138Ser)

Gene: CHD7 (chromodomain helicase DNA binding protein 7; plus strand). Cytogenetic location: 8q12.2.
Variant type: single nucleotide variant.
Coding change: c.6412G>A on transcript NM_017780.4 (MANE Select); coding-DNA position 6412, G replaced by A.
Protein change: p.Gly2138Ser; replaces glycine 2138 with serine.
Molecular consequence: missense variant. On other transcripts: intron variant (1).
Genome position (GRCh38, 1-based): chr8:60,853,137, G>A. VCF-style: chr8-60853137-G-A. GRCh37 (hg19) VCF-style: chr8-61765696-G-A.
Other names: c.1717-9092G>A (NM_001316690.1); short protein forms G2138S.
Identifiers: ClinVar variation 3009608 (VCV003009608.3), dbSNP rs2488043256, ClinGen allele CA371325093.